The following is an entry in ClinVar:

NM_000271.5(NPC1):c.287+5G>C

Gene: NPC1 (NPC intracellular cholesterol transporter 1; minus strand). Cytogenetic location: 18q11.2.
Variant type: single nucleotide variant.
Coding change: c.287+5G>C on transcript NM_000271.5 (MANE Select); 5 bases into the intron after coding-DNA position 287, G replaced by C.
Molecular consequence: intron variant.
Genome position (GRCh38, 1-based): chr18:23,572,069, C>G on the plus strand (G>C on the coding strand, the complement: NPC1 is on the minus strand). VCF-style: chr18-23572069-C-G. GRCh37 (hg19) VCF-style: chr18-21152033-C-G.
Identifiers: ClinVar variation 1487488 (VCV001487488.6), dbSNP rs2145544311, ClinGen allele CA2573155247.

ClinVar aggregate classification (germline): Uncertain significance (1 of 4 stars; one submission).

Conditions:
Niemann-Pick disease, type C1. Also called: NIEMANN-PICK DISEASE, VARIANT TYPE C1; NEUROVISCERAL STORAGE DISEASE WITH VERTICAL SUPRANUCLEAR OPHTHALMOPLEGIA; NIEMANN-PICK DISEASE WITH CHOLESTEROL ESTERIFICATION BLOCK; NIEMANN-PICK DISEASE WITHOUT SPHINGOMYELINASE DEFICIENCY; NIEMANN-PICK DISEASE, CHRONIC NEURONOPATHIC FORM. Identifiers: Orphanet 646, MedGen C3179455, MONDO:0009757, OMIM 257220.

Submission:

Labcorp Genetics (formerly Invitae), Labcorp
Classification: Uncertain significance for Niemann-Pick disease, type C1. Last evaluated: 2022-02-22. Review status: criteria provided, single submitter. Criteria: Invitae Variant Classification Sherloc (09022015). Collection method: clinical testing. Allele origin: germline.
Comment: This sequence change falls in intron 3 of the NPC1 gene. It does not directly change the encoded amino acid sequence of the NPC1 protein. It affects a nucleotide within the consensus splice site. This variant is not present in population databases (gnomAD no frequency). This variant has not been reported in the literature in individuals affected with NPC1-related conditions. Variants that disrupt the consensus splice site are a relatively common cause of aberrant splicing (PMID: 17576681, 9536098). Algorithms developed to predict the effect of sequence changes on RNA splicing suggest that this variant may disrupt the consensus splice site. In summary, the available evidence is currently insufficient to determine the role of this variant in disease. Therefore, it has been classified as a Variant of Uncertain Significance.

Literature cited by the submitters: PubMed 17576681; PubMed 9536098.